The following is an entry in ClinVar:

ClinVar aggregate classification (germline): Likely pathogenic (1 of 4 stars; one submission).

Conditions:
Achondrogenesis, type IA (ACG1A). Identifiers: Orphanet 932, Orphanet 93299, MedGen C0265273, MONDO:0008701, OMIM 200600.

Allele frequency attached by ClinVar (database versions not stated): TOPMed below 0.00001.
gnomAD v4.1: 2 of 1,611,204 alleles (0.00012%); highest among the groups gnomAD compares: Non-Finnish European, 0.00017%; no homozygotes.

Submission:

Labcorp Genetics (formerly Invitae), Labcorp
Classification: Likely pathogenic for Achondrogenesis, type IA. Last evaluated: 2023-09-30. Review status: criteria provided, single submitter. Criteria: Invitae Variant Classification Sherloc (09022015). Collection method: clinical testing. Allele origin: germline.
Comment: This sequence change affects an acceptor splice site in intron 17 of the TRIP11 gene. It is expected to disrupt RNA splicing. Variants that disrupt the donor or acceptor splice site typically lead to a loss of protein function (PMID: 16199547), and loss-of-function variants in TRIP11 are known to be pathogenic (PMID: 20089971, 23956106). This variant is not present in population databases (gnomAD no frequency). This variant has not been reported in the literature in individuals affected with TRIP11-related conditions. Algorithms developed to predict the effect of sequence changes on RNA splicing suggest that this variant may disrupt the consensus splice site. In summary, the currently available evidence indicates that the variant is pathogenic, but additional data are needed to prove that conclusively. Therefore, this variant has been classified as Likely Pathogenic.

Literature cited by the submitters: PubMed 16199547; PubMed 20089971; PubMed 23956106.

NM_004239.4(TRIP11):c.5343-1G>C

Gene: TRIP11 (thyroid hormone receptor interactor 11; minus strand). Cytogenetic location: 14q32.12.
Variant type: single nucleotide variant.
Coding change: c.5343-1G>C on transcript NM_004239.4 (MANE Select); the canonical splice acceptor site of the intron before coding-DNA position 5343, G replaced by C.
Molecular consequence: splice acceptor variant.
Genome position (GRCh38, 1-based): chr14:91,975,287, C>G on the plus strand (G>C on the coding strand, the complement: TRIP11 is on the minus strand). VCF-style: chr14-91975287-C-G. GRCh37 (hg19) VCF-style: chr14-92441631-C-G.
Other names: c.5340-1G>C (NM_001321851.1).
Identifiers: ClinVar variation 3006422 (VCV003006422.3), dbSNP rs754936373, ClinGen allele CA390644686.